The following is an entry in ClinVar:

NM_004237.4(TRIP13):c.927C>T (p.Phe309=)

Gene: TRIP13 (thyroid hormone receptor interactor 13; plus strand). Cytogenetic location: 5p15.33.
Variant type: single nucleotide variant.
Coding change: c.927C>T on transcript NM_004237.4 (MANE Select); coding-DNA position 927, C replaced by T.
Protein change: p.Phe309=; no amino-acid change (phenylalanine 309 retained).
Molecular consequence: synonymous variant.
Genome position (GRCh38, 1-based): chr5:911,903, C>T. VCF-style: chr5-911903-C-T. GRCh37 (hg19) VCF-style: chr5-912018-C-T.
Identifiers: ClinVar variation 3703407 (VCV003703407.7).

ClinVar aggregate classification (germline): Likely benign. Review status: criteria provided, multiple submitters, no conflicts (2 of 4 stars). 2 submissions from 2 submitters: Likely benign (2). Last evaluated 2025-12-01.

Submissions (2):

CeGaT Center for Human Genetics Tuebingen
Classification: Likely benign. Last evaluated: 2025-12-01. Review status: criteria provided, single submitter. Criteria: CeGaT Center For Human Genetics Tuebingen Variant Classification Criteria Version 2. Collection method: clinical testing. Allele origin: germline. Affected: yes. Observed: 1 variant allele.
Comment: TRIP13: BP4, BP7

Labcorp Genetics (formerly Invitae), Labcorp
Classification: Likely benign. Last evaluated: 2024-10-03. Review status: criteria provided, single submitter. Criteria: Invitae Variant Classification Sherloc (09022015). Collection method: clinical testing. Allele origin: germline.